The following is an entry in ClinVar:

NM_001273.5(CHD4):c.2897T>A (p.Met966Lys)

Gene: CHD4 (chromodomain helicase DNA binding protein 4; minus strand). Cytogenetic location: 12p13.31.
Variant type: single nucleotide variant.
Coding change: c.2897T>A on transcript NM_001273.5 (MANE Select); coding-DNA position 2897, T replaced by A.
Protein change: p.Met966Lys; replaces methionine 966 with lysine.
Molecular consequence: missense variant.
Genome position (GRCh38, 1-based): chr12:6,592,444, A>T on the plus strand (T>A on the coding strand, the complement: CHD4 is on the minus strand). VCF-style: chr12-6592444-A-T. GRCh37 (hg19) VCF-style: chr12-6701610-A-T.
Other names: c.2876T>A, p.Met959Lys (NM_001297553.2); c.2858T>A, p.Met953Lys (NM_001363606.2); short protein forms M966K, M959K, M953K.
Identifiers: ClinVar variation 380874 (VCV000380874.2), dbSNP rs1057520911, ClinGen allele CA16606376.

ClinVar aggregate classification (germline): Likely pathogenic (1 of 4 stars; one submission).

Submission:

GeneDx
Classification: Likely pathogenic. Last evaluated: 2017-01-03. Review status: criteria provided, single submitter. Criteria: GeneDx Variant Classification (06012015). Collection method: clinical testing. Allele origin: germline. Affected: yes.
Comment: The M966K variant in the CHD4 gene has not been reported previously as a pathogenic variant, nor as a benign variant, to our knowledge. The M966K variant was not observed in approximately 6500 individuals of European and African American ancestry in the NHLBI Exome Sequencing Project, indicating it is not a common benign variant in these populations. The M966K variant is a non-conservative amino acid substitution, which is likely to impact secondary protein structure as these residues differ in polarity, charge, size and/or other properties. This substitution occurs at a position that is conserved across species. In silico analysis predicts this variant is probably damaging to the protein structure/function. The M966K variant is a strong candidate for a pathogenic variant